The following is an entry in ClinVar:

ClinVar aggregate classification (germline): Uncertain significance (1 of 4 stars; one submission).

Allele frequency attached by ClinVar (database versions not stated): gnomAD exomes below 0.00001.
gnomAD v4.1: 1 of 1,614,178 alleles (0.000062%); highest among the groups gnomAD compares: Admixed American, 0.0017%; no homozygotes.

Submission:

Labcorp Genetics (formerly Invitae), Labcorp
Classification: Uncertain significance. Last evaluated: 2023-07-07. Review status: criteria provided, single submitter. Criteria: Invitae Variant Classification Sherloc (09022015). Collection method: clinical testing. Allele origin: germline.
Comment: This sequence change replaces isoleucine, which is neutral and non-polar, with methionine, which is neutral and non-polar, at codon 1426 of the SNRNP200 protein (p.Ile1426Met). This variant is not present in population databases (gnomAD no frequency). This missense change has been observed in individual(s) with retinitis pigmentosa (Invitae). ClinVar contains an entry for this variant (Variation ID: 2070557). Advanced modeling of protein sequence and biophysical properties (such as structural, functional, and spatial information, amino acid conservation, physicochemical variation, residue mobility, and thermodynamic stability) performed at Invitae indicates that this missense variant is expected to disrupt SNRNP200 protein function. In summary, the available evidence is currently insufficient to determine the role of this variant in disease. Therefore, it has been classified as a Variant of Uncertain Significance.

NM_014014.5(SNRNP200):c.4278C>G (p.Ile1426Met)

Gene: SNRNP200 (small nuclear ribonucleoprotein U5 subunit 200; minus strand). Cytogenetic location: 2q11.2.
Variant type: single nucleotide variant.
Coding change: c.4278C>G on transcript NM_014014.5 (MANE Select); coding-DNA position 4278, C replaced by G.
Protein change: p.Ile1426Met; replaces isoleucine 1426 with methionine.
Molecular consequence: missense variant.
Genome position (GRCh38, 1-based): chr2:96,284,472, G>C on the plus strand (C>G on the coding strand, the complement: SNRNP200 is on the minus strand). VCF-style: chr2-96284472-G-C. GRCh37 (hg19) VCF-style: chr2-96950210-G-C.
Other names: short protein forms I1426M.
Identifiers: ClinVar variation 2070557 (VCV002070557.4), dbSNP rs2467323459, ClinGen allele CA347667870.
Genomic context (GRCh38, chr2:96,284,472, plus strand): 5'-CTGCACGTTCTTGCGCTGCTTCCATCGCCGGGAAAGTATGTCCCACTTCTCAGGGGTGCT[G>C]ATGATAATGTTCCCTTTGCCCAGCAGCTTCAGGTCTGTGCTGGTCTCGCCTGTCAGGAGT-3'
Protein context (NP_054733.2, residues 1416-1436): LKLLGKGNII[Ile1426Met]STPEKWDILS